The following is an entry in ClinVar:

ClinVar aggregate classification (germline): Uncertain significance. Review status: criteria provided, multiple submitters, no conflicts (2 of 4 stars). 2 submissions from 2 submitters: Uncertain significance (2). Last evaluated 2025-09-25.

Conditions:
Muscle AMP deaminase deficiency (MMDD). Also called: AMPD1 DEFICIENCY; ADENOSINE MONOPHOSPHATE DEAMINASE-1 DEFICIENCY, MYOPATHY DUE TO; Myoadenylate deaminase deficiency, myopathy due to; Adenosine monophosphate deaminase 1 deficiency; AMP deaminase 1 deficiency; Adenosine Monophosphate Deaminase 1. Identifiers: Orphanet 45, MedGen C3714933, MONDO:0014220, OMIM 615511.
Inborn genetic diseases. Identifiers: MedGen C0950123, MeSH D030342.

gnomAD v4.1: 62 of 1,613,744 alleles (0.0038%); highest among the groups gnomAD compares: South Asian, 0.06%; no homozygotes.

Submissions (2):

Ambry Genetics
Classification: Uncertain significance for Inborn genetic diseases. Last evaluated: 2025-09-25. Review status: criteria provided, single submitter. Criteria: Ambry Variant Classification Scheme 2023. Collection method: clinical testing. Allele origin: germline.

Labcorp Genetics (formerly Invitae), Labcorp
Classification: Uncertain significance for Muscle AMP deaminase deficiency. Last evaluated: 2025-09-22. Review status: criteria provided, single submitter. Criteria: Invitae Variant Classification Sherloc (09022015). Collection method: clinical testing. Allele origin: germline.
Comment: This sequence change replaces arginine, which is basic and polar, with proline, which is neutral and non-polar, at codon 500 of the AMPD1 protein (p.Arg500Pro). This variant is present in population databases (rs140957303, gnomAD 0.07%). This variant has not been reported in the literature in individuals affected with AMPD1-related conditions. Invitae Evidence Modeling of protein sequence and biophysical properties (such as structural, functional, and spatial information, amino acid conservation, physicochemical variation, residue mobility, and thermodynamic stability) indicates that this missense variant is expected to disrupt AMPD1 protein function with a positive predictive value of 80%. In summary, the available evidence is currently insufficient to determine the role of this variant in disease. Therefore, it has been classified as a Variant of Uncertain Significance.

NM_000036.3(AMPD1):c.1400G>C (p.Arg467Pro)

Gene: AMPD1 (adenosine monophosphate deaminase 1; minus strand). Cytogenetic location: 1p13.2.
Variant type: single nucleotide variant.
Coding change: c.1400G>C on transcript NM_000036.3 (MANE Select); coding-DNA position 1400, G replaced by C.
Protein change: p.Arg467Pro; replaces arginine 467 with proline.
Molecular consequence: missense variant.
Genome position (GRCh38, 1-based): chr1:114,675,992, C>G on the plus strand (G>C on the coding strand, the complement: AMPD1 is on the minus strand). VCF-style: chr1-114675992-C-G. GRCh37 (hg19) VCF-style: chr1-115218613-C-G.
Other names: c.1388G>C, p.Arg463Pro (NM_001172626.2); short protein forms R467P, R463P.
Identifiers: ClinVar variation 4576314 (VCV004576314.2).